The following is an entry in ClinVar:

ClinVar aggregate classification (germline): Pathogenic/Likely pathogenic. Review status: criteria provided, multiple submitters, no conflicts (2 of 4 stars). 5 submissions from 5 submitters: Pathogenic (4); Likely pathogenic (1). Last evaluated 2024-09-02.

Conditions:
Joubert syndrome. Also called: CEREBELLOPARENCHYMAL DISORDER IV; JOUBERT-BOLTSHAUSER SYNDROME; Familial aplasia of the vermis. Identifiers: Orphanet 475, MedGen C5979921, MONDO:0018772.
Orofaciodigital syndrome I (OFD1). Also called: OFDS I; Oral-Facial-Digital Syndrome Type I; Papillon-Leage and Psaume Syndrome. Identifiers: Orphanet 2750, MedGen C1510460, MONDO:0010702, OMIM 311200.
Retinal dystrophy. Also called: Inherited retinal dystrophy. Identifiers: Orphanet 71862, MedGen C0854723, MeSH D058499, MONDO:0019118, HP:0000556.
Joubert syndrome 10 (JBTS10). Identifiers: Orphanet 2754, MedGen C2749019, MONDO:0010431, OMIM 300804.

Submissions (5):

Genetics Laboratory, UDIAT-Centre Diagnòstic, Hospital Universitari Parc Tauli
Classification: Likely pathogenic for Joubert syndrome 10. Last evaluated: 2024-09-02. Review status: criteria provided, single submitter. Criteria: ACMG Guidelines, 2015. Collection method: clinical testing. Allele origin: unknown. Inheritance: X-linked inheritance. Affected: yes.
Comment: PVS1_very strong;PM2_supporting

Labcorp Genetics (formerly Invitae), Labcorp
Classification: Pathogenic for Orofaciodigital syndrome I; Joubert syndrome. Last evaluated: 2024-03-09. Review status: criteria provided, single submitter. Criteria: Invitae Variant Classification Sherloc (09022015). Collection method: clinical testing. Allele origin: germline.
Comment: This sequence change creates a premature translational stop signal (p.Arg890*) in the OFD1 gene. It is expected to result in an absent or disrupted protein product. Loss-of-function variants in OFD1 are known to be pathogenic (PMID: 16783569, 18546297, 27081566). This variant is not present in population databases (gnomAD no frequency). This premature translational stop signal has been observed in individual(s) with Joubert Syndrome (PMID: 26092869). ClinVar contains an entry for this variant (Variation ID: 217686). For these reasons, this variant has been classified as Pathogenic.

Dept Of Ophthalmology, Nagoya University
Classification: Pathogenic for Retinal dystrophy. Last evaluated: 2023-10-01. Review status: criteria provided, single submitter. Criteria: Submitter's publication. Collection method: research. Allele origin: germline. Affected: yes.

GeneDx
Classification: Pathogenic. Last evaluated: 2020-10-02. Review status: criteria provided, single submitter. Criteria: GeneDx Variant Classification Process June 2021. Collection method: clinical testing. Allele origin: germline. Affected: yes.
Comment: Nonsense variant predicted to result in protein truncation or nonsense mediated decay in a gene for which loss-of-function is a known mechanism of disease; Not observed in large population cohorts (Lek et al., 2016); This variant is associated with the following publications: (PMID: 26092869, 29089047)

UW Hindbrain Malformation Research Program, University of Washington
Classification: Pathogenic for Joubert syndrome 10. Last evaluated: 2015-02-23. Review status: criteria provided, single submitter. Criteria: Bachmann-Gagescu et al. (J Med Genet. 2015). Collection method: research. Allele origin: unknown. Affected: yes.

Literature cited by the submitters: PubMed 16783569 (cited by Labcorp Genetics (formerly Invitae), Labcorp); PubMed 18546297 (cited by Labcorp Genetics (formerly Invitae), Labcorp); PubMed 27081566 (cited by Labcorp Genetics (formerly Invitae), Labcorp); PubMed 26092869 (cited by Labcorp Genetics (formerly Invitae), Labcorp).

NM_003611.3(OFD1):c.2668C>T (p.Arg890Ter)

Gene: OFD1 (OFD1 centriole and centriolar satellite protein; plus strand). Cytogenetic location: Xp22.2.
Variant type: single nucleotide variant.
Coding change: c.2668C>T on transcript NM_003611.3 (MANE Select); coding-DNA position 2668, C replaced by T.
Protein change: p.Arg890Ter; replaces arginine 890 with a stop codon.
Molecular consequence: nonsense.
Genome position (GRCh38, 1-based): chrX:13,767,195, C>T. VCF-style: chrX-13767195-C-T. GRCh37 (hg19) VCF-style: chrX-13785314-C-T.
Other names: c.2548C>T, p.Arg850Ter (NM_001330209.2); c.2248C>T, p.Arg750Ter (NM_001330210.2); short protein forms R890*, R850*, R750*.
Identifiers: ClinVar variation 217686 (VCV000217686.14), dbSNP rs863225212, ClinGen allele CA279372.